The following is an entry in ClinVar:

NM_000311.5(PRNP):c.467G>A (p.Arg156His)

Gene: PRNP (prion protein (Kanno blood group); plus strand). Cytogenetic location: 20p13.
Variant type: single nucleotide variant.
Coding change: c.467G>A on transcript NM_000311.5 (MANE Select); coding-DNA position 467, G replaced by A.
Protein change: p.Arg156His; replaces arginine 156 with histidine.
Molecular consequence: missense variant. On other transcripts: 3 prime UTR variant (1).
Genome position (GRCh38, 1-based): chr20:4,699,687, G>A. VCF-style: chr20-4699687-G-A. GRCh37 (hg19) VCF-style: chr20-4680333-G-A.
Other names: c.467G>A, p.Arg156His (NM_001080121.3, NM_001080122.3, NM_001080123.3 and 1 more transcripts); c.*156G>A (NM_001271561.3); short protein forms R156H.
Identifiers: ClinVar variation 1318742 (VCV001318742.2), dbSNP rs1323478206, ClinGen allele CA408152414.
Genomic context (GRCh38, chr20:4,699,687, plus strand): 5'-GGCCCATCATACATTTCGGCAGTGACTATGAGGACCGTTACTATCGTGAAAACATGCACC[G>A]TTACCCCAACCAAGTGTACTACAGGCCCATGGATGAGTACAGCAACCAGAACAACTTTGT-3'
Protein context (NP_000302.1, residues 146-166): EDRYYRENMH[Arg156His]YPNQVYYRPM

ClinVar aggregate classification (germline): Uncertain significance (1 of 4 stars; one submission).

Allele frequency attached by ClinVar (database versions not stated): TOPMed below 0.00001; gnomAD 0.00001; gnomAD exomes 0.00001.
gnomAD v4.1: 8 of 1,613,814 alleles (0.0005%); highest among the groups gnomAD compares: South Asian, 0.0011%; no homozygotes.

Submission:

GeneDx
Classification: Uncertain significance. Last evaluated: 2019-10-19. Review status: criteria provided, single submitter. Criteria: GeneDx Variant Classification Process June 2021. Collection method: clinical testing. Allele origin: germline. Affected: yes.
Comment: In silico analysis, which includes protein predictors and evolutionary conservation, supports that this variant does not alter protein structure/function; Has not been previously published as pathogenic or benign to our knowledge